The following is an entry in ClinVar:

NM_205861.3(DHDDS):c.623G>A (p.Gly208Glu)

Gene: DHDDS (dehydrodolichyl diphosphate synthase subunit; plus strand). Cytogenetic location: 1p36.11.
Variant type: single nucleotide variant.
Coding change: c.623G>A on transcript NM_205861.3 (MANE Select); coding-DNA position 623, G replaced by A.
Protein change: p.Gly208Glu; replaces glycine 208 with glutamic acid.
Molecular consequence: missense variant.
Genome position (GRCh38, 1-based): chr1:26,457,871, G>A. VCF-style: chr1-26457871-G-A. GRCh37 (hg19) VCF-style: chr1-26784362-G-A.
Other names: c.521G>A, p.Gly174Glu (NM_001243564.2); c.506G>A, p.Gly169Glu (NM_001243565.2); c.344G>A, p.Gly115Glu (NM_001319959.2); c.623G>A, p.Gly208Glu (NM_024887.4); short protein forms G115E, G169E, G174E, G208E.
Identifiers: ClinVar variation 2087563 (VCV002087563.4), dbSNP rs2524686918, ClinGen allele CA339144786.

ClinVar aggregate classification (germline): Uncertain significance (1 of 4 stars; one submission).

Conditions:
Retinitis pigmentosa 59 (RP59). Identifiers: Orphanet 791, MedGen C3151227, MONDO:0013468, OMIM 613861.

Submission:

Labcorp Genetics (formerly Invitae), Labcorp
Classification: Uncertain significance for Retinitis pigmentosa 59. Last evaluated: 2025-08-04. Review status: criteria provided, single submitter. Criteria: Invitae Variant Classification Sherloc (09022015). Collection method: clinical testing. Allele origin: germline.
Comment: This sequence change replaces glycine, which is neutral and non-polar, with glutamic acid, which is acidic and polar, at codon 208 of the DHDDS protein (p.Gly208Glu). This variant is not present in population databases (gnomAD no frequency). This variant has not been reported in the literature in individuals affected with DHDDS-related conditions. ClinVar contains an entry for this variant (Variation ID: 2087563). Invitae Evidence Modeling of protein sequence and biophysical properties (such as structural, functional, and spatial information, amino acid conservation, physicochemical variation, residue mobility, and thermodynamic stability) indicates that this missense variant is expected to disrupt DHDDS protein function with a positive predictive value of 80%. In summary, the available evidence is currently insufficient to determine the role of this variant in disease. Therefore, it has been classified as a Variant of Uncertain Significance.